The following is an entry in ClinVar:

NM_001183.6(ATP6AP1):c.289-6T>C

Gene: ATP6AP1 (ATPase H+ transporting accessory protein 1; plus strand). Cytogenetic location: Xq28.
Variant type: single nucleotide variant.
Coding change: c.289-6T>C on transcript NM_001183.6 (MANE Select); 6 bases into the intron before coding-DNA position 289, T replaced by C.
Molecular consequence: intron variant.
Genome position (GRCh38, 1-based): chrX:154,431,824, T>C. VCF-style: chrX-154431824-T-C. GRCh37 (hg19) VCF-style: chrX-153660170-T-C.
Identifiers: ClinVar variation 3731382 (VCV003731382.1).
Genomic context (GRCh38, chrX:154,431,824, plus strand): 5'-TGTCCCCTGCCTTGGCCCCCATCACTTGCCAAACCTCCTCAGATGTCTCCCCTATTTCCC[T>C]AATAGCTGAGCATTGAGGATTTCACAGCATATGGCGGTGTGTTTGGAAACAAGCAGGACA-3'

ClinVar aggregate classification (germline): Uncertain significance (1 of 4 stars; one submission).

Conditions:
Immunodeficiency 47 (IMD47). Also called: IMMUNODEFICIENCY AND HEPATOPATHY WITH OR WITHOUT NEUROLOGIC FEATURES. Identifiers: Orphanet 692790, MedGen C4310819, MONDO:0010504, OMIM 300972.

gnomAD v4.1: 2 of 1,210,811 alleles (0.00017%); no homozygotes.

Submission:

Neuberg Centre For Genomic Medicine, NCGM
Classification: Uncertain significance for Immunodeficiency 47. Review status: criteria provided, single submitter. Criteria: ACMG Guidelines, 2015. Collection method: clinical testing. Allele origin: germline. Inheritance: X-linked recessive inheritance. Affected: yes.
Comment: The splice region c.289-6T>C variant in ATP6AP1 gene has not been reported previously as a pathogenic variant nor as a benign variant, to our knowledge. The c.289-6T>C variant is prersent with allele frequency of 0.0005% in gnomAD Exomes. This variant has not been submitted to the ClinVar database. Additional functional studies will be required to prove the pathogenicity of this variant. For these reasons, this variant has been classified as a Variant of Uncertain Significance (VUS).